The following is an entry in ClinVar:

NM_001375808.2(LPIN2):c.*1179G>A

Gene: LPIN2 (lipin 2; minus strand). Cytogenetic location: 18p11.31.
Variant type: single nucleotide variant.
Coding change: c.*1179G>A on transcript NM_001375808.2 (MANE Select); 1179 bases downstream of the stop codon, G replaced by A.
Molecular consequence: 3 prime UTR variant.
Genome position (GRCh38, 1-based): chr18:2,919,114, C>T on the plus strand (G>A on the coding strand, the complement: LPIN2 is on the minus strand). VCF-style: chr18-2919114-C-T. GRCh37 (hg19) VCF-style: chr18-2919112-C-T.
Other names: c.*1179G>A (NM_001375809.1, NM_014646.2).
Identifiers: ClinVar variation 326589 (VCV000326589.5), dbSNP rs147362027, ClinGen allele CA10650665.

ClinVar aggregate classification (germline): Likely benign (1 of 4 stars; one submission).

Conditions:
Majeed syndrome (MJDS). Also called: CHRONIC RECURRENT MULTIFOCAL OSTEOMYELITIS 1, WITH CONGENITAL DYSERYTHROPOIETIC ANEMIA, WITH OR WITHOUT NEUTROPHILIC DERMATOSIS; LPIN2-Related Majeed Syndrome. Identifiers: Orphanet 77297, MedGen C1864997, MONDO:0012316, OMIM 609628.

Allele frequency attached by ClinVar (database versions not stated): 1000 Genomes Project 30x 0.00312; TOPMed 0.00323; 1000 Genomes Project 0.00459.

Submission:

Illumina Laboratory Services, Illumina
Classification: Likely benign for Majeed syndrome. Last evaluated: 2018-01-13. Review status: criteria provided, single submitter. Criteria: ICSL Variant Classification Criteria 13 December 2019. Collection method: clinical testing. Allele origin: germline.
Comment: This variant was observed in the ICSL laboratory as part of a predisposition screen in an ostensibly healthy population. It had not been previously curated by ICSL or reported in the Human Gene Mutation Database (HGMD: prior to June 1st, 2018), and was therefore a candidate for classification through an automated scoring system. Utilizing variant allele frequency, disease prevalence and penetrance estimates, and inheritance mode, an automated score was calculated to assess if this variant is too frequent to cause the disease. Based on the score and internal cut-off values, a variant classified as likely benign is not then subjected to further curation. The score for this variant resulted in a classification of likely benign for this disease.